The following is an entry in ClinVar:

NM_021008.4(DEAF1):c.166G>A (p.Ala56Thr)

Gene: DEAF1 (DEAF1 transcription factor; minus strand). Cytogenetic location: 11p15.5.
Variant type: single nucleotide variant.
Coding change: c.166G>A on transcript NM_021008.4 (MANE Select); coding-DNA position 166, G replaced by A.
Protein change: p.Ala56Thr; replaces alanine 56 with threonine.
Molecular consequence: missense variant. On other transcripts: 5 prime UTR variant (3), intron variant (1).
Genome position (GRCh38, 1-based): chr11:694,882, C>T on the plus strand (G>A on the coding strand, the complement: DEAF1 is on the minus strand). VCF-style: chr11-694882-C-T. GRCh37 (hg19) VCF-style: chr11-694882-C-T.
Other names: c.166G>A, p.Ala56Thr (NM_001293634.2, NM_001440883.1, NM_001440884.1); c.-431G>A (NM_001440885.1); c.-1831G>A (NM_001440886.1); c.-641G>A (NM_001440887.1); c.-437-3284G>A (NM_001367390.1); short protein forms A56T.
Identifiers: ClinVar variation 4718266 (VCV004718266.1).

ClinVar aggregate classification (germline): Uncertain significance (1 of 4 stars; one submission).

Submission:

Labcorp Genetics (formerly Invitae), Labcorp
Classification: Uncertain significance. Last evaluated: 2025-06-15. Review status: criteria provided, single submitter. Criteria: Invitae Variant Classification Sherloc (09022015). Collection method: clinical testing. Allele origin: germline.
Comment: This sequence change replaces alanine, which is neutral and non-polar, with threonine, which is neutral and polar, at codon 56 of the DEAF1 protein (p.Ala56Thr). This variant is not present in population databases (gnomAD no frequency). This variant has not been reported in the literature in individuals affected with DEAF1-related conditions. Invitae Evidence Modeling of protein sequence and biophysical properties (such as structural, functional, and spatial information, amino acid conservation, physicochemical variation, residue mobility, and thermodynamic stability) has been performed for this missense variant. However, the output from this modeling did not meet the statistical confidence thresholds required to predict the impact of this variant on DEAF1 protein function. In summary, the available evidence is currently insufficient to determine the role of this variant in disease. Therefore, it has been classified as a Variant of Uncertain Significance.